The following is an entry in ClinVar:

NM_001384732.1(CPLANE1):c.9046C>T (p.Arg3016Ter)

Gene: CPLANE1 (ciliogenesis and planar polarity effector complex subunit 1; minus strand). Cytogenetic location: 5p13.2.
Variant type: single nucleotide variant.
Coding change: c.9046C>T on transcript NM_001384732.1 (MANE Select); coding-DNA position 9046, C replaced by T.
Protein change: p.Arg3016Ter; replaces arginine 3016 with a stop codon.
Molecular consequence: nonsense.
Genome position (GRCh38, 1-based): chr5:37,121,756, G>A on the plus strand (C>T on the coding strand, the complement: CPLANE1 is on the minus strand). VCF-style: chr5-37121756-G-A. GRCh37 (hg19) VCF-style: chr5-37121858-G-A.
Other names: c.8884C>T, p.Arg2962Ter (NM_023073.4); short protein forms R2962*, R3016*.
Identifiers: ClinVar variation 1030823 (VCV001030823.7), dbSNP rs150242262, ClinGen allele CA3237577.

ClinVar aggregate classification (germline): Pathogenic/Likely pathogenic. Review status: criteria provided, multiple submitters, no conflicts (2 of 4 stars). 6 submissions from 6 submitters: Pathogenic (4); Likely pathogenic (2). Last evaluated 2025-11-16.

Conditions:
Joubert syndrome 17 (JBTS17). Identifiers: Orphanet 475, MedGen C3553264, MONDO:0013824, OMIM 614615.
Orofaciodigital syndrome type 6 (OFD6). Also called: OROFACIODIGITAL SYNDROME VI; OFDS VI; POLYDACTYLY, CLEFT LIP/PALATE OR LINGUAL LUMP, AND PSYCHOMOTOR RETARDATION; VARADI SYNDROME; VARADI-PAPP SYNDROME; Oral-facial-digital syndrome type 6. Identifiers: Orphanet 2754, MedGen C2745997, MONDO:0010176, OMIM 277170.
C5ORF42-related disorders.
Inborn genetic diseases. Identifiers: MedGen C0950123, MeSH D030342.

Allele frequency attached by ClinVar (database versions not stated): gnomAD exomes 0.00001; ExAC 0.00002; gnomAD 0.00003 and 0.00004; TOPMed 0.00003; ESP Exome Variant Server 0.00008.
gnomAD v4.1: 14 of 1,613,786 alleles (0.00087%); highest among the groups gnomAD compares: African/African-American, 0.004%; no homozygotes.

Submissions (6):

Labcorp Genetics (formerly Invitae), Labcorp
Classification: Pathogenic. Last evaluated: 2025-11-16. Review status: criteria provided, single submitter. Criteria: Invitae Variant Classification Sherloc (09022015). Collection method: clinical testing. Allele origin: germline.
Comment: This sequence change creates a premature translational stop signal (p.Arg2962*) in the CPLANE1 gene. It is expected to result in an absent or disrupted protein product. Loss-of-function variants in CPLANE1 are known to be pathogenic (PMID: 24178751, 26092869). The frequency data for this variant in the population databases is considered unreliable, as metrics indicate poor data quality at this position in the gnomAD database. This premature translational stop signal has been observed in individual(s) with CPLANE1-related conditions (PMID: 25407461). ClinVar contains an entry for this variant (Variation ID: 1030823). For these reasons, this variant has been classified as Pathogenic.

Ambry Genetics
Classification: Pathogenic for Inborn genetic diseases. Last evaluated: 2024-06-14. Review status: criteria provided, single submitter. Criteria: Ambry Variant Classification Scheme 2023. Collection method: clinical testing. Allele origin: germline.
Comment: The c.8884C>T (p.R2962*) alteration, located in exon 48 (coding exon 47) of the C5orf42 gene, consists of a C to T substitution at nucleotide position 8884. This changes the amino acid from a arginine (R) to a stop codon at amino acid position 2962. This alteration is expected to result in loss of function by premature protein truncation or nonsense-mediated mRNA decay. Based on data from gnomAD, the T allele has an overall frequency of 0.001% (3/282712) total alleles studied. The highest observed frequency was 0.008% (2/24960) of African alleles. This variant has been identified in an individual with Joubert syndrome, but clinical details were limited (Romani, 2015). Based on the available evidence, this alteration is classified as pathogenic.

GeneDx
Classification: Pathogenic. Last evaluated: 2022-04-11. Review status: criteria provided, single submitter. Criteria: GeneDx Variant Classification Process June 2021. Collection method: clinical testing. Allele origin: germline. Affected: yes.
Comment: Identified in a patient with Joubert syndrome in the published literature; however, it is unclear if a second CPLANE1 variant was detected (Romani et al., 2015); Not observed at significant frequency in large population cohorts (gnomAD); Nonsense variant predicted to result in protein truncation or nonsense mediated decay in a gene for which loss of function is a known mechanism of disease; This variant is associated with the following publications: (PMID: 25407461)

Fulgent Genetics
Classification: Pathogenic for Orofaciodigital syndrome type 6; Joubert syndrome 17. Last evaluated: 2022-01-20. Review status: criteria provided, single submitter. Criteria: ACMG Guidelines, 2015. Collection method: clinical testing. Allele origin: unknown.

Blueprint Genetics
Classification: Likely pathogenic for C5ORF42-related disorders. Last evaluated: 2021-10-22. Review status: criteria provided, single submitter. Criteria: ACMG Guidelines, 2015. Collection method: clinical testing. Allele origin: germline. Affected: yes. Observed: 2 variant alleles.

Baylor Genetics
Classification: Likely pathogenic for Joubert syndrome 17. Last evaluated: 2019-08-23. Review status: criteria provided, single submitter. Criteria: ACMG Guidelines, 2015. Collection method: clinical testing. Allele origin: unknown. Affected: yes.
Comment: This variant was determined to be likely pathogenic according to ACMG Guidelines, 2015 [PMID:25741868].

Literature cited by the submitters: PubMed 24178751 (cited by Labcorp Genetics (formerly Invitae), Labcorp); PubMed 26092869 (cited by Labcorp Genetics (formerly Invitae), Labcorp); PubMed 25407461 (cited by Labcorp Genetics (formerly Invitae), Labcorp and Ambry Genetics).